The following is an entry in ClinVar:

NM_004621.6(TRPC6):c.1128+84A>G

Gene: TRPC6 (transient receptor potential cation channel subfamily C member 6; minus strand). Cytogenetic location: 11q22.1.
Variant type: single nucleotide variant.
Coding change: c.1128+84A>G on transcript NM_004621.6 (MANE Select); 84 bases into the intron after coding-DNA position 1128, A replaced by G.
Molecular consequence: intron variant.
Genome position (GRCh38, 1-based): chr11:101,491,472, T>C on the plus strand (A>G on the coding strand, the complement: TRPC6 is on the minus strand). VCF-style: chr11-101491472-T-C. GRCh37 (hg19) VCF-style: chr11-101362203-T-C.
Identifiers: ClinVar variation 1686751 (VCV001686751.3), dbSNP rs143112325, ClinGen allele CA227525216.
Genomic context (GRCh38, chr11:101,491,472, plus strand): 5'-CGACAGAGCGAGACTCCATCTCAAAAAAAAAAAAAGAGAAAAGAAAAGAAAATCCCAGCT[T>C]AATCTAACAATATCAACCCTTTATCCTTATTTAGCACCAACAAGAACCAAAATAATGTAA-3'

ClinVar aggregate classification (germline): Likely benign. Review status: criteria provided, multiple submitters, no conflicts (2 of 4 stars). 2 submissions from 2 submitters: Likely benign (2). Last evaluated 2021-11-20.

Allele frequency attached by ClinVar (database versions not stated): gnomAD exomes 0.00039; gnomAD 0.00447 and 0.00473; TOPMed 0.00495; 1000 Genomes Project 0.00539; 1000 Genomes Project 30x 0.00687.
gnomAD v4.1: 1,250 of 1,525,042 alleles (0.082%); highest among the groups gnomAD compares: African/African-American, 1.5%; 10 homozygotes.

Submissions (2):

GeneDx
Classification: Likely benign. Last evaluated: 2021-11-20. Review status: criteria provided, single submitter. Criteria: GeneDx Variant Classification Process June 2021. Collection method: clinical testing. Allele origin: germline. Affected: yes.
Comment: See Variant Classification Assertion Criteria.

Breakthrough Genomics
Classification: Likely benign. Review status: criteria provided, single submitter. Criteria: ACMG Guidelines, 2015. Collection method: not provided. Allele origin: germline. Inheritance: Autosomal dominant inheritance. Affected: yes.